The following is an entry in ClinVar:

NM_000497.4(CYP11B1):c.421C>T (p.Arg141Ter)

Genes: CYP11B1 (cytochrome P450 family 11 subfamily B member 1; minus strand), LOC106799833 (CYP11B1 recombination region; plus strand). Cytogenetic location: 8q24.3.
Variant type: single nucleotide variant.
Coding change: c.421C>T on transcript NM_000497.4 (MANE Select); coding-DNA position 421, C replaced by T.
Protein change: p.Arg141Ter; replaces arginine 141 with a stop codon.
Molecular consequence: nonsense.
Genome position (GRCh38, 1-based): chr8:142,877,197, G>A on the plus strand (C>T on the coding strand, the complement: CYP11B1 is on the minus strand). VCF-style: chr8-142877197-G-A. GRCh37 (hg19) VCF-style: chr8-143958613-G-A.
Other names: c.421C>T, p.Arg141Ter (NM_001026213.1); short protein forms R141*.
Identifiers: ClinVar variation 1073771 (VCV001073771.9), dbSNP rs775479837, ClinGen allele CA4905444.
Genomic context (GRCh38, chr8:142,877,197, plus strand): 5'-CCATCGGGAGGAACCTCTGCACAGCGTTGGGCGACAGCACTTCTGGATTCAGCCGCAATC[G>A]GTTGAAGCGCCATTCAGGCCCATTCCTACAGAGGCCAGGGCAGAGCTTGTGAGGCCGCCC-3'

ClinVar aggregate classification (germline): Pathogenic. Review status: criteria provided, multiple submitters, no conflicts (2 of 4 stars). 4 submissions from 4 submitters: Pathogenic (4). Last evaluated 2023-09-14.

Conditions:
Congenital adrenal hyperplasia. Identifiers: Orphanet 418, MedGen C0001627, MONDO:0018479, HP:0008258.
Deficiency of steroid 11-beta-monooxygenase (CYP11B1). Also called: Congenital adrenal hyperplasia due to 11-beta-hydroxylase deficiency; ADRENAL HYPERPLASIA, CONGENITAL, DUE TO STEROID 11-BETA-HYDROXYLASE DEFICIENCY; 11-BETA-HYDROXYLASE DEFICIENCY; P450C11B1 DEFICIENCY; STEROID 11-BETA-HYDROXYLASE DEFICIENCY; ADRENAL HYPERPLASIA IV. Identifiers: Orphanet 90795, MedGen C0268292, MONDO:0008729, OMIM 202010. Disease mechanism: loss of function.

Allele frequency attached by ClinVar (database versions not stated): ExAC 0.00002; TOPMed 0.00002; gnomAD 0.00003; gnomAD exomes 0.00001.

Submissions (4):

Baylor Genetics
Classification: Pathogenic for Deficiency of steroid 11-beta-monooxygenase. Last evaluated: 2023-09-14. Review status: criteria provided, single submitter. Criteria: ACMG Guidelines, 2015. Collection method: clinical testing. Allele origin: unknown.

Labcorp Genetics (formerly Invitae), Labcorp
Classification: Pathogenic. Last evaluated: 2023-09-03. Review status: criteria provided, single submitter. Criteria: Invitae Variant Classification Sherloc (09022015). Collection method: clinical testing. Allele origin: germline.
Comment: For these reasons, this variant has been classified as Pathogenic. This sequence change creates a premature translational stop signal (p.Arg141*) in the CYP11B1 gene. It is expected to result in an absent or disrupted protein product. Loss-of-function variants in CYP11B1 are known to be pathogenic (PMID: 8506298, 26476331). This variant is present in population databases (rs775479837, gnomAD 0.003%). This premature translational stop signal has been observed in individual(s) with 11Œ≤-hydroxylase deficiency (PMID: 27316665). In at least one individual the data is consistent with being in trans (on the opposite chromosome) from a pathogenic variant. It has also been observed to segregate with disease in related individuals. ClinVar contains an entry for this variant (Variation ID: 1073771).

Women's Health and Genetics/Laboratory Corporation of America, LabCorp
Classification: Pathogenic for Congenital adrenal hyperplasia. Last evaluated: 2021-10-19. Review status: criteria provided, single submitter. Criteria: LabCorp Variant Classification Summary - May 2015. Collection method: clinical testing. Allele origin: germline.
Comment: Variant summary: CYP11B1 c.421C>T (p.Arg141X) results in a premature termination codon, predicted to cause a truncation of the encoded protein or absence of the protein due to nonsense mediated decay, which are commonly known mechanisms for disease. Truncations downstream of this position have been classified as pathogenic by our laboratory. The variant allele was found at a frequency of 8e-06 in 250534 control chromosomes. c.421C>T has been reported in the literature in multiple individuals affected with Congenital Adrenal Hyperplasia (example, Charnwichai_2016, Bas_2018, Wei_2021, Yildiz_2021). These data indicate that the variant is very likely to be associated with disease. To our knowledge, no experimental evidence demonstrating an impact on protein function has been reported. One clinical diagnostic laboratory has submitted clinical-significance assessments for this variant to ClinVar after 2014 without evidence for independent evaluation and classified the variant as pathogenic. Based on the evidence outlined above, the variant was classified as pathogenic.

Kariminejad - Najmabadi Pathology & Genetics Center
Classification: Pathogenic for Deficiency of steroid 11-beta-monooxygenase. Review status: criteria provided, single submitter. Criteria: ACMG Guidelines, 2015. Collection method: clinical testing. Allele origin: germline. Affected: no.

Literature cited by the submitters: PubMed 8506298 (cited by Labcorp Genetics (formerly Invitae), Labcorp); PubMed 26476331 (cited by Labcorp Genetics (formerly Invitae), Labcorp); PubMed 27316665 (cited by Labcorp Genetics (formerly Invitae), Labcorp and Women's Health and Genetics/Laboratory Corporation of America, LabCorp); PubMed 29626607 (cited by Women's Health and Genetics/Laboratory Corporation of America, LabCorp); PubMed 33785438 (cited by Women's Health and Genetics/Laboratory Corporation of America, LabCorp); PubMed 33830237 (cited by Women's Health and Genetics/Laboratory Corporation of America, LabCorp).